The following is an entry in ClinVar:

NM_000797.4(DRD4):c.850A>G (p.Ser284Gly)

Gene: DRD4 (dopamine receptor D4; plus strand). Cytogenetic location: 11p15.5.
Variant type: single nucleotide variant.
Coding change: c.850A>G on transcript NM_000797.4 (MANE Select); coding-DNA position 850, A replaced by G.
Protein change: p.Ser284Gly; replaces serine 284 with glycine.
Molecular consequence: missense variant.
Genome position (GRCh38, 1-based): chr11:640,099, A>G. VCF-style: chr11-640099-A-G. GRCh37 (hg19) VCF-style: chr11-640099-A-G.
Other names: c.850A>G (NM_000797.3); short protein forms S284G.
Identifiers: ClinVar variation 2507416 (VCV002507416.3), dbSNP rs34662058, ClinGen allele CA5785842.

ClinVar aggregate classification (germline): Uncertain significance. Review status: criteria provided, single submitter (1 of 4 stars). 2 submissions from 2 submitters: Uncertain significance (1). 1 of the submissions does not count toward it.

Conditions:
DRD4-related disorder. Also called: DRD4-related condition.
Hereditary attention deficit-hyperactivity disorder. Also called: HYPERACTIVITY OF CHILDHOOD. Identifiers: MedGen CN324066, MONDO:0100518, OMIM 143465.

Allele frequency attached by ClinVar (database versions not stated): 1000 Genomes Project 0.26098; ExAC 0.27500.
gnomAD v4.1: 240,940 of 957,850 alleles (25%); highest among the groups gnomAD compares: African/African-American, 47%; 37,650 homozygotes.

Submissions (2):

Clinical Genomics, Uppaluri K&H Personalized Medicine Clinic
Classification: Uncertain significance for Hereditary attention deficit-hyperactivity disorder. Review status: criteria provided, single submitter. Criteria: K &amp; H Uppaluri Personalized Medicine Clinic Variant Classification &amp; Assertion Criteria_Updated V.1. Collection method: clinical testing. Allele origin: germline. Inheritance: Autosomal dominant inheritance. Affected: yes. Observed: 1 homozygote.
Comment: Potent mutations in Dopamine receptor uptake gene leads to decreased brain uptake of neuromodulator dopamine and are strongly associated with onset of Attention deficit hyperactivity disorder. However more evidence is required to confer the association of this particular rs34662058 with Attention deficit hyperactivity disorder.

PreventionGenetics, part of Exact Sciences
Classification: Benign for DRD4-related condition. Last evaluated: 2019-11-26. Review status: no assertion criteria provided. Collection method: clinical testing. Allele origin: germline. Not counted in ClinVar's aggregate classification.
Comment: This variant is classified as benign based on ACMG/AMP sequence variant interpretation guidelines (Richards et al. 2015 PMID: 25741868, with internal and published modifications).

Literature cited by the submitters: PubMed 20644990 (cited by Clinical Genomics, Uppaluri K&H Personalized Medicine Clinic); PubMed 36211978 (cited by Clinical Genomics, Uppaluri K&H Personalized Medicine Clinic); PubMed 10654656 (cited by Clinical Genomics, Uppaluri K&H Personalized Medicine Clinic); PubMed 30099719 (cited by Clinical Genomics, Uppaluri K&H Personalized Medicine Clinic); PubMed 25262643 (cited by Clinical Genomics, Uppaluri K&H Personalized Medicine Clinic); PubMed 29781347 (cited by Clinical Genomics, Uppaluri K&H Personalized Medicine Clinic).